The following is an entry in ClinVar:

ClinVar aggregate classification (germline): Uncertain significance (1 of 4 stars; one submission).

Conditions:
Dyskeratosis congenita, autosomal dominant 6 (DKCA6). Identifiers: Orphanet 3322, MedGen C4225284, MONDO:0014690, OMIM 616553.

Submission:

Labcorp Genetics (formerly Invitae), Labcorp
Classification: Uncertain significance for Dyskeratosis congenita, autosomal dominant 6. Last evaluated: 2024-12-24. Review status: criteria provided, single submitter. Criteria: Invitae Variant Classification Sherloc (09022015). Collection method: clinical testing. Allele origin: germline.
Comment: This sequence change falls in intron 8 of the ACD gene. It does not directly change the encoded amino acid sequence of the ACD protein. It affects a nucleotide within the consensus splice site. This variant is present in population databases (no rsID available, gnomAD 0.002%). This variant has not been reported in the literature in individuals affected with ACD-related conditions. Variants that disrupt the consensus splice site are a relatively common cause of aberrant splicing (PMID: 17576681, 9536098). Algorithms developed to predict the effect of sequence changes on RNA splicing suggest that this variant may disrupt the consensus splice site. In summary, the available evidence is currently insufficient to determine the role of this variant in disease. Therefore, it has been classified as a Variant of Uncertain Significance.

Literature cited by the submitters: PubMed 17576681; PubMed 9536098.

NM_001082486.2(ACD):c.742+4del

Gene: ACD (ACD shelterin complex subunit and telomerase recruitment factor; minus strand). Cytogenetic location: 16q22.1.
Variant type: Deletion.
Coding change: c.742+4del on transcript NM_001082486.2 (MANE Select); 4 bases into the intron after coding-DNA position 742, one base deleted (A; older notation c.742+4delA).
Molecular consequence: intron variant.
Genome position (GRCh38, 1-based): chr16:67,658,716, T deleted on the plus strand (A on the coding strand, the reverse complement: ACD is on the minus strand); the first of 2 consecutive T bases (chr16:67,658,716-67,658,717); deleting either gives the same sequence. VCF-style (leftmost placement, unchanged base first): chr16-67658715-CT-C. GRCh37 (hg19) VCF-style: chr16-67692618-CT-C.
Other names: c.733+4del (NM_022914.3); c.742+4del (NM_001410884.1).
Identifiers: ClinVar variation 3703193 (VCV003703193.2).